The following is an entry in ClinVar:

NM_001366385.1(CARD14):c.511C>A (p.His171Asn)

Gene: CARD14 (caspase recruitment domain family member 14; plus strand). Cytogenetic location: 17q25.3.
Variant type: single nucleotide variant.
Coding change: c.511C>A on transcript NM_001366385.1 (MANE Select); coding-DNA position 511, C replaced by A.
Protein change: p.His171Asn; replaces histidine 171 with asparagine.
Molecular consequence: missense variant. On other transcripts: non-coding transcript variant (1).
Genome position (GRCh38, 1-based): chr17:80,184,074, C>A. VCF-style: chr17-80184074-C-A. GRCh37 (hg19) VCF-style: chr17-78157873-C-A.
Other names: c.511C>A, p.His171Asn (NM_024110.4, NM_001257970.1); short protein forms H171N.
Identifiers: ClinVar variation 68782 (VCV000068782.3), dbSNP rs281875216, ClinGen allele CA219914.

ClinVar aggregate classification (germline): Uncertain significance. Review status: criteria provided, single submitter (1 of 4 stars). 2 submissions from 2 submitters: Uncertain significance (1). 1 of the submissions does not count toward it. Last evaluated 2024-07-15.

Conditions:
Pityriasis rubra pilaris (PRP). Also called: Pityriasis rubra pilaris--familial type. Identifiers: Orphanet 2897, MedGen C0032027, MONDO:0100017, OMIM 173200, MONDO:0008251.
Psoriasis 2. Identifiers: MedGen C1864497, MONDO:0011269, OMIM 602723.

gnomAD v4.1: 1 of 1,585,512 alleles (0.000063%); highest among the groups gnomAD compares: Non-Finnish European, 0.000086%; no homozygotes.

Submissions (2):

Labcorp Genetics (formerly Invitae), Labcorp
Classification: Uncertain significance for Pityriasis rubra pilaris; Psoriasis 2. Last evaluated: 2024-07-15. Review status: criteria provided, single submitter. Criteria: Invitae Variant Classification Sherloc (09022015). Collection method: clinical testing. Allele origin: germline.
Comment: This sequence change replaces histidine, which is basic and polar, with asparagine, which is neutral and polar, at codon 171 of the CARD14 protein (p.His171Asn). This variant is not present in population databases (gnomAD no frequency). This missense change has been observed in individual(s) with psoriasis (PMID: 22521419). ClinVar contains an entry for this variant (Variation ID: 68782). Advanced modeling of protein sequence and biophysical properties (such as structural, functional, and spatial information, amino acid conservation, physicochemical variation, residue mobility, and thermodynamic stability) performed at Invitae indicates that this missense variant is not expected to disrupt CARD14 protein function with a negative predictive value of 80%. In summary, the available evidence is currently insufficient to determine the role of this variant in disease. Therefore, it has been classified as a Variant of Uncertain Significance.

UniProtKB/Swiss-Prot
No classification provided. Review status: no classification provided. Collection method: not provided. Allele origin: not provided. Not counted in ClinVar's aggregate classification.

Literature cited by the submitters: PubMed 22521419 (cited by Labcorp Genetics (formerly Invitae), Labcorp).